The following is an entry in ClinVar:

NM_006767.4(LZTR1):c.902G>T (p.Gly301Val)

Gene: LZTR1 (leucine zipper like post translational regulator 1; plus strand). Cytogenetic location: 22q11.21.
Variant type: single nucleotide variant.
Coding change: c.902G>T on transcript NM_006767.4 (MANE Select); coding-DNA position 902, G replaced by T.
Protein change: p.Gly301Val; replaces glycine 301 with valine.
Molecular consequence: missense variant.
Genome position (GRCh38, 1-based): chr22:20,991,738, G>T. VCF-style: chr22-20991738-G-T. GRCh37 (hg19) VCF-style: chr22-21346027-G-T.
Other names: short protein forms G301V.
Identifiers: ClinVar variation 2496775 (VCV002496775.4), dbSNP rs139823732, ClinGen allele CA410781386.

ClinVar aggregate classification (germline): Uncertain significance. Review status: criteria provided, multiple submitters, no conflicts (2 of 4 stars). 2 submissions from 2 submitters: Uncertain significance (2). Last evaluated 2025-08-18.

Conditions:
Hereditary cancer-predisposing syndrome. Also called: Hereditary Cancer Syndrome; Neoplastic Syndromes, Hereditary; Tumor predisposition; Hereditary neoplastic syndrome. Identifiers: Orphanet 140162, MedGen C0027672, MeSH D009386, MONDO:0015356.
Cardiovascular phenotype. Identifiers: MedGen CN230736.

gnomAD v4.1: 3 of 1,574,358 alleles (0.00019%); highest among the groups gnomAD compares: Non-Finnish European, 0.000086%; no homozygotes.

Submissions (2):

Ambry Genetics
Classification: Uncertain significance for Cardiovascular phenotype; Hereditary cancer-predisposing syndrome. Last evaluated: 2025-08-18. Review status: criteria provided, single submitter. Criteria: Ambry Variant Classification Scheme 2023. Collection method: clinical testing. Allele origin: germline.
Comment: The p.G301V variant (also known as c.902G>T), located in coding exon 9 of the LZTR1 gene, results from a G to T substitution at nucleotide position 902. The glycine at codon 301 is replaced by valine, an amino acid with dissimilar properties. This amino acid position is conserved. In addition, this alteration is predicted to be deleterious by in silico analysis. Based on the available evidence, the clinical significance of this variant remains unclear.

Blueprint Genetics
Classification: Uncertain significance. Last evaluated: 2023-08-18. Review status: criteria provided, single submitter. Criteria: ACMG Guidelines, 2015. Collection method: clinical testing. Allele origin: germline.